The following is an entry in ClinVar:

ClinVar aggregate classification (germline): Uncertain significance. Review status: criteria provided, multiple submitters, no conflicts (2 of 4 stars). 2 submissions from 2 submitters: Uncertain significance (2). Last evaluated 2026-01-21.

Conditions:
Paroxysmal nonkinesigenic dyskinesia. Also called: Paroxysmal non-kinesigenic dyskinesia. Identifiers: Orphanet 98810, MedGen C1869117, MONDO:0700088.

Allele frequency attached by ClinVar (database versions not stated): gnomAD exomes 0.00003 and 0.00005; gnomAD 0.00007; ExAC 0.00008; TOPMed 0.00006.
gnomAD v4.1: 77 of 1,589,126 alleles (0.0048%); highest among the groups gnomAD compares: Non-Finnish European, 0.0063%; no homozygotes.

Submissions (3):

Labcorp Genetics (formerly Invitae), Labcorp
Classification: Uncertain significance for Paroxysmal nonkinesigenic dyskinesia. Last evaluated: 2026-01-21. Review status: criteria provided, single submitter. Criteria: Invitae Variant Classification Sherloc (09022015). Collection method: clinical testing. Allele origin: germline.
Comment: This sequence change falls in intron 9 of the PNKD gene. It does not directly change the encoded amino acid sequence of the PNKD protein. It affects a nucleotide within the consensus splice site. This variant is present in population databases (rs577027430, gnomAD 0.008%). This variant has not been reported in the literature in individuals affected with PNKD-related conditions. ClinVar contains an entry for this variant (Variation ID: 666192). Variants that disrupt the consensus splice site are a relatively common cause of aberrant splicing (PMID: 17576681, 9536098). Algorithms developed to predict the effect of sequence changes on RNA splicing suggest that this variant may disrupt the consensus splice site. In summary, the available evidence is currently insufficient to determine the role of this variant in disease. Therefore, it has been classified as a Variant of Uncertain Significance.

GeneDx
Classification: Uncertain significance. Last evaluated: 2025-09-25. Review status: criteria provided, single submitter. Criteria: GeneDx Variant Classification Process June 2021. Collection method: clinical testing. Allele origin: germline. Affected: yes.
Comment: Canonical splice site variant in a gene or region of a gene for which loss of function is not a well-established mechanism of disease; Has not been previously published as pathogenic or benign to our knowledge

Dr. Peter K. Rogan Lab, Western University
No classification provided (evidence only). Condition: Cervical cancer. Review status: no classification provided. Collection method: in vitro. Allele origin: not applicable. Functional consequence: retained intron. Not counted in ClinVar's aggregate classification.

Literature cited by the submitters: PubMed 17576681 (cited by Labcorp Genetics (formerly Invitae), Labcorp); PubMed 9536098 (cited by Labcorp Genetics (formerly Invitae), Labcorp).

NM_015488.5(PNKD):c.984+1G>A

Genes: CATIP-AS2 (CATIP antisense RNA 2; minus strand), PNKD (PNKD metallo-beta-lactamase domain containing; plus strand). Cytogenetic location: 2q35.
Variant type: single nucleotide variant.
Coding change: c.984+1G>A on transcript NM_015488.5 (MANE Select); the canonical splice donor site of the intron after coding-DNA position 984, G replaced by A.
Molecular consequence: splice donor variant.
Genome position (GRCh38, 1-based): chr2:218,344,571, G>A. VCF-style: chr2-218344571-G-A. GRCh37 (hg19) VCF-style: chr2-219209294-G-A.
Other names: c.912+1G>A (NM_022572.4).
Identifiers: ClinVar variation 666192 (VCV000666192.8), dbSNP rs577027430, ClinGen allele CA2104170.